The following is an entry in ClinVar:

NM_000719.7(CACNA1C):c.5091+18G>A

Genes: CACNA1C (calcium voltage-gated channel subunit alpha1 C; plus strand), CACNA1C-AS1 (CACNA1C antisense RNA 1; minus strand). Cytogenetic location: 12p13.33.
Variant type: single nucleotide variant.
Coding change: c.5091+18G>A on transcript NM_000719.7 (MANE Select); 18 bases into the intron after coding-DNA position 5091, G replaced by A.
Molecular consequence: intron variant. On other transcripts: non-coding transcript variant (1).
Genome position (GRCh38, 1-based): chr12:2,677,885, G>A. VCF-style: chr12-2677885-G-A. GRCh37 (hg19) VCF-style: chr12-2787051-G-A.
Other names: c.5091+18G>A (NM_001167624.3, NM_001167623.2, NM_001129840.2 and 4 more transcripts); c.5058+18G>A (NM_001167625.2, NM_001129846.2); c.5235+18G>A (NM_199460.4, NM_001129827.2); c.5151+18G>A (NM_001129832.2); c.5175+18G>A (NM_001129831.2); c.5148+18G>A (NM_001129833.2, NM_001129834.2, NM_001129835.2); c.5214+18G>A (NM_001129829.2); c.5115+18G>A (NM_001129837.2, NM_001129838.2); and 3 more.
Identifiers: ClinVar variation 136631 (VCV000136631.54), dbSNP rs143343491, ClinGen allele CA289885.

ClinVar aggregate classification (germline): Benign. Review status: criteria provided, multiple submitters, no conflicts (2 of 4 stars). 4 submissions from 4 submitters: Benign (4). Last evaluated 2026-02-04.

Conditions:
Long QT syndrome (LQTS). Identifiers: MedGen C0023976, MeSH D008133, MONDO:0002442. Disease mechanism: loss of function. Inheritance: Various modes of inheritance.

Allele frequency attached by ClinVar (database versions not stated): gnomAD exomes 0.00043 and 0.00114; ExAC 0.00129; 1000 Genomes Project 30x 0.00312; 1000 Genomes Project 0.00319; ESP Exome Variant Server 0.00357; gnomAD 0.00393 and 0.00423; TOPMed 0.00521.
gnomAD v4.1: 1,239 of 1,613,534 alleles (0.077%); highest among the groups gnomAD compares: African/African-American, 1.5%; 10 homozygotes.

Submissions (4):

Labcorp Genetics (formerly Invitae), Labcorp
Classification: Benign for Long QT syndrome. Last evaluated: 2026-02-04. Review status: criteria provided, single submitter. Criteria: Invitae Variant Classification Sherloc (09022015). Collection method: clinical testing. Allele origin: germline.

Women's Health and Genetics/Laboratory Corporation of America, LabCorp
Classification: Benign. Last evaluated: 2022-11-28. Review status: criteria provided, single submitter. Criteria: LabCorp Variant Classification Summary - May 2015. Collection method: clinical testing. Allele origin: germline.

ARUP Laboratories, Molecular Genetics and Genomics, ARUP Laboratories
Classification: Benign. Last evaluated: 2020-10-04. Review status: criteria provided, single submitter. Criteria: ARUP Molecular Germline Variant Investigation Process 2021. Collection method: clinical testing. Allele origin: germline.

GeneDx
Classification: Benign. Last evaluated: 2015-04-22. Review status: criteria provided, single submitter. Criteria: GeneDx Variant Classification (06012015). Collection method: clinical testing. Allele origin: germline. Affected: yes.
Comment: This variant is considered likely benign or benign based on one or more of the following criteria: it is a conservative change, it occurs at a poorly conserved position in the protein, it is predicted to be benign by multiple in silico algorithms, and/or has population frequency not consistent with disease.